The following is an entry in ClinVar:

NM_000038.6(APC):c.-19+2566C>A

Gene: APC (APC regulator of WNT signaling pathway; plus strand). Cytogenetic location: 5q22.2.
Variant type: single nucleotide variant.
Coding change: c.-19+2566C>A on transcript NM_000038.6 (MANE Select); 2566 bases into the intron after 19 bases upstream of the start codon, C replaced by A.
Molecular consequence: intron variant.
Genome position (GRCh38, 1-based): chr5:112,740,491, C>A. VCF-style: chr5-112740491-C-A. GRCh37 (hg19) VCF-style: chr5-112076188-C-A.
Other names: c.-18-14382C>A (NM_001354895.2); c.166-25835C>A (NM_001354897.2, NM_001354902.2, NM_001127511.3); c.-19+2031C>A (NM_001127510.3); c.60+2031C>A (NM_001354898.2, NM_001354904.2); c.-1054+2566C>A (NM_001354906.2); c.-19+2566C>A (NM_001354896.2, NM_001354903.2, NM_001354899.2); c.-43+2566C>A (NM_001354900.2, NM_001354901.2, NM_001354905.2).
Identifiers: ClinVar variation 82338 (VCV000082338.2), dbSNP rs75791687, ClinGen allele CA006409.

ClinVar aggregate classification (germline): other (0 of 4 stars; one submission).

Conditions:
Familial colorectal cancer. Identifiers: MedGen CN280943, MONDO:0023113. Disease mechanism: loss of function.

Submission:

Systems Biology Platform Zhejiang California International NanoSystems Institute
Classification: other for Familial colorectal cancer. Review status: no assertion criteria provided. Collection method: not provided. Allele origin: unknown.
ClinVar note: Converted during submission from cancer to other.